The following is an entry in ClinVar:

NM_001374385.1(ATP8B1):c.3002G>A (p.Gly1001Glu)

Genes: ATP8B1-AS1 (ATP8B1 antisense RNA 1; plus strand), ATP8B1 (ATPase phospholipid transporting 8B1; minus strand). Cytogenetic location: 18q21.31.
Variant type: single nucleotide variant.
Coding change: c.3002G>A on transcript NM_001374385.1 (MANE Select); coding-DNA position 3002, G replaced by A.
Protein change: p.Gly1001Glu; replaces glycine 1001 with glutamic acid.
Molecular consequence: missense variant.
Genome position (GRCh38, 1-based): chr18:57,654,005, C>T on the plus strand (G>A on the coding strand, the complement: ATP8B1 is on the minus strand). VCF-style: chr18-57654005-C-T. GRCh37 (hg19) VCF-style: chr18-55321237-C-T.
Other names: c.2852G>A, p.Gly951Glu (NM_001374386.1); c.3002G>A, p.Gly1001Glu (NM_005603.6); short protein forms G1001E, G951E.
Identifiers: ClinVar variation 4846044 (VCV004846044.1).

ClinVar aggregate classification (germline): Uncertain significance (1 of 4 stars; one submission).

Conditions:
Familial intrahepatic cholestasis. Identifiers: Orphanet 284385, MedGen CN296401, MONDO:0017290.

Submission:

Genomenon, Inc
Classification: Uncertain significance for Familial intrahepatic cholestasis. Last evaluated: 2026-04-14. Review status: criteria provided, single submitter. Criteria: Genomenon Sequence Variant Interpretation Standards - Updated. Collection method: curation. Allele origin: germline. Affected: yes.
Comment: ATP8B1 p.Gly1001Glu (c.3002G>A) is a missense variant that changes the amino acid at residue 1001 from Glycine to Glutamic acid. This variant has been observed in at least one proband with features of ATP8B1-deficiency (PMID:32766365). It is absent or not present at a significant frequency in gnomAD. In silico models predict that this variant is possibly or probably damaging. In conclusion, we classify ATP8B1 p.Gly1001Glu (c.3002G>A) as a variant of uncertain significance.

Literature cited by the submitters: PubMed 32766365.